The following is an entry in ClinVar:

ClinVar aggregate classification (germline): Likely benign. Review status: criteria provided, multiple submitters, no conflicts (2 of 4 stars). 3 submissions from 3 submitters: Likely benign (2). 1 of the submissions does not count toward it. Last evaluated 2025-10-01.

Conditions:
ASAH1-related disorders. Also called: ASAH1-related condition; ASAH1-related disorder. Identifiers: MedGen CN376120, MONDO:0800460.

Allele frequency attached by ClinVar (database versions not stated): gnomAD exomes below 0.00001; TOPMed below 0.00001; gnomAD 0.00001.
gnomAD v4.1: 5 of 1,614,068 alleles (0.00031%); highest among the groups gnomAD compares: Admixed American, 0.0017%; no homozygotes.

Submissions (3):

Labcorp Genetics (formerly Invitae), Labcorp
Classification: Likely benign. Last evaluated: 2025-10-01. Review status: criteria provided, single submitter. Criteria: Invitae Variant Classification Sherloc (09022015). Collection method: clinical testing. Allele origin: germline.

Blueprint Genetics
Classification: Likely benign. Last evaluated: 2024-07-10. Review status: criteria provided, single submitter. Criteria: ACMG Guidelines, 2015. Collection method: clinical testing. Allele origin: germline.

PreventionGenetics, part of Exact Sciences
Classification: Likely benign for ASAH1-related condition. Last evaluated: 2019-09-03. Review status: no assertion criteria provided. Collection method: clinical testing. Allele origin: germline. Not counted in ClinVar's aggregate classification.
Comment: This variant is classified as likely benign based on ACMG/AMP sequence variant interpretation guidelines (Richards et al. 2015 PMID: 25741868, with internal and published modifications).

NM_177924.5(ASAH1):c.618C>T (p.Gly206=)

Gene: ASAH1 (N-acylsphingosine amidohydrolase 1; minus strand). Cytogenetic location: 8p22.
Variant type: single nucleotide variant.
Coding change: c.618C>T on transcript NM_177924.5 (MANE Select); coding-DNA position 618, C replaced by T.
Protein change: p.Gly206=; no amino-acid change (glycine 206 retained).
Molecular consequence: synonymous variant.
Genome position (GRCh38, 1-based): chr8:18,062,309, G>A on the plus strand (C>T on the coding strand, the complement: ASAH1 is on the minus strand). VCF-style: chr8-18062309-G-A. GRCh37 (hg19) VCF-style: chr8-17919818-G-A.
Other names: c.600C>T, p.Gly200= (NM_001127505.3); c.423C>T, p.Gly141= (NM_001363743.2); c.666C>T, p.Gly222= (NM_004315.6); c.666C>T (NM_004315.5).
Identifiers: ClinVar variation 1079579 (VCV001079579.10), dbSNP rs1209237202, ClinGen allele CA459663231.